The following is an entry in ClinVar:

ClinVar aggregate classification (germline): Likely pathogenic (1 of 4 stars; one submission).

Conditions:
Severe combined immunodeficiency disease. Also called: Severe Combined Immune Deficiency; Severe combined immunodeficiency. Identifiers: Orphanet 183660, MedGen C0085110, MeSH D016511, MONDO:0015974, HP:0004430. Inheritance: X-Linked or Autosomal recessive.

Submission:

Women's Health and Genetics/Laboratory Corporation of America, LabCorp
Classification: Likely pathogenic for Severe combined immunodeficiency disease. Last evaluated: 2022-05-11. Review status: criteria provided, single submitter. Criteria: LabCorp Variant Classification Summary - May 2015. Collection method: clinical testing. Allele origin: germline.
Comment: Variant summary: MTHFD1 c.1006C>T (p.Arg336X) results in a premature termination codon, predicted to cause a truncation of the encoded protein or absence of the protein due to nonsense mediated decay, which are commonly known mechanisms for disease. The variant was absent in 251482 control chromosomes. To our knowledge, no occurrence of c.1006C>T in individuals affected with Severe Combined Immunodeficiency and no experimental evidence demonstrating its impact on protein function have been reported. No clinical diagnostic laboratories have submitted clinical-significance assessments for this variant to ClinVar after 2014. Based on the evidence outlined above, the variant was classified as likely pathogenic.

NM_005956.4(MTHFD1):c.1006C>T (p.Arg336Ter)

Gene: MTHFD1 (methylenetetrahydrofolate dehydrogenase, cyclohydrolase and formyltetrahydrofolate synthetase 1; plus strand). Cytogenetic location: 14q23.3.
Variant type: single nucleotide variant.
Coding change: c.1006C>T on transcript NM_005956.4 (MANE Select); coding-DNA position 1006, C replaced by T.
Protein change: p.Arg336Ter; replaces arginine 336 with a stop codon.
Molecular consequence: nonsense.
Genome position (GRCh38, 1-based): chr14:64,426,071, C>T. VCF-style: chr14-64426071-C-T. GRCh37 (hg19) VCF-style: chr14-64892789-C-T.
Other names: c.1006C>T, p.Arg336Ter (NM_001364837.1); short protein forms R336*.
Identifiers: ClinVar variation 1696278 (VCV001696278.1), dbSNP rs920392170, ClinGen allele CA261835495.